The following is an entry in ClinVar:

NM_001079802.2(FKTN):c.528dup (p.His177fs)

Gene: FKTN (fukutin; plus strand). Cytogenetic location: 9q31.2.
Variant type: Duplication.
Coding change: c.528dup on transcript NM_001079802.2 (MANE Select); coding-DNA position 528, one base duplicated (T; older notation c.528dupT).
Protein change: p.His177fs; shifts the reading frame from histidine 177.
Molecular consequence: frameshift variant. On other transcripts: non-coding transcript variant (2).
Genome position (GRCh38, 1-based): chr9:105,604,373, T duplicated; the last of 3 consecutive T bases (chr9:105,604,371-105,604,373); duplicating any one gives the same sequence. VCF-style (leftmost placement, unchanged base first): chr9-105604370-C-CT. GRCh37 (hg19) VCF-style: chr9-108366651-C-CT.
Other names: c.528dup, p.His177fs (NM_001198963.2, NM_001351496.2, NM_001351498.2 and 1 more transcripts); c.459dup, p.His154fs (NM_001351497.2); c.132dup, p.His45fs (NM_001351499.2, NM_001351500.2, NM_001351501.2 and 1 more transcripts); c.528dupT (NM_001079802.1); short protein forms H154fs, H177fs, H45fs.
Identifiers: ClinVar variation 666969 (VCV000666969.12), dbSNP rs1588112379, ClinGen allele CA915947066.

ClinVar aggregate classification (germline): Pathogenic/Likely pathogenic. Review status: criteria provided, multiple submitters, no conflicts (2 of 4 stars). 5 submissions from 5 submitters: Pathogenic (2); Likely pathogenic (2). 1 of the submissions does not count toward it. Last evaluated 2024-05-08.

Conditions:
Muscular dystrophy-dystroglycanopathy (congenital with brain and eye anomalies), type A, 4 (MDDGA4). Also called: Walker-Warburg Syndrome, Fktn-Related; Congenital muscular dystrophy-dystroglycanopathy with brain and eye anomalies, type A4; WALKER-WARBURG SYNDROME OR MUSCLE-EYE-BRAIN DISEASE, FKTN-RELATED; Muscular dystrophy, congenital progressive, with mental retardation; Muscular dystrophy, congenital, with central nervous system involvement; Cerebromuscular dystrophy, Fukuyama type. Identifiers: Orphanet 272, Orphanet 588, Orphanet 899, MedGen C0410174, MONDO:0009678, OMIM 253800.
Dilated cardiomyopathy 1X (CMD1X). Also called: FKTN-Related Dilated Cardiomyopathy; CARDIOMYOPATHY, DILATED, WITH MILD OR NO PROXIMAL MUSCLE WEAKNESS. Identifiers: Orphanet 154, MedGen C1969024, MONDO:0012704, OMIM 611615.
Walker-Warburg congenital muscular dystrophy. Also called: Muscular dystrophy-dystroglycanopathy, type A; Walker-Warburg syndrome. Identifiers: Orphanet 899, MedGen C0265221, MONDO:0000171.
Myopathy caused by variation in FKTN. Identifiers: MedGen CN305638, MONDO:0700067.

Submissions (5):

Myriad Genetics, Inc.
Classification: Pathogenic for Myopathy caused by variation in FKTN. Last evaluated: 2024-05-08. Review status: criteria provided, single submitter. Criteria: Myriad Autosomal Dominant, Autosomal Recessive and X-Linked Classification Criteria (2023). Collection method: clinical testing. Allele origin: unknown.
Comment: NM_001079802.1(FKTN):c.528dupT(H177Sfs*2) is expected to be pathogenic in the context of FKTN-related disorders. This variant is predicted to lead to an abnormal or absent protein product due to the creation of a premature termination codon in FKTN, a gene where loss-of-function variants are known to be pathogenic. Please note: this variant was assessed in the context of healthy population screening.

Baylor Genetics
Classification: Likely pathogenic for Dilated cardiomyopathy 1X. Last evaluated: 2024-01-13. Review status: criteria provided, single submitter. Criteria: ACMG Guidelines, 2015. Collection method: clinical testing. Allele origin: unknown.

Labcorp Genetics (formerly Invitae), Labcorp
Classification: Pathogenic for Walker-Warburg congenital muscular dystrophy. Last evaluated: 2021-05-04. Review status: criteria provided, single submitter. Criteria: Invitae Variant Classification Sherloc (09022015). Collection method: clinical testing. Allele origin: germline.
Comment: For these reasons, this variant has been classified as Pathogenic. This variant has not been reported in the literature in individuals with FKTN-related conditions. ClinVar contains an entry for this variant (Variation ID: 666969). This variant is not present in population databases (ExAC no frequency). This sequence change creates a premature translational stop signal (p.His177Serfs*2) in the FKTN gene. It is expected to result in an absent or disrupted protein product. Loss-of-function variants in FKTN are known to be pathogenic (PMID: 17044012, 17878207, 18752264).

Laboratory for Molecular Medicine, Mass General Brigham Personalized Medicine
Classification: Likely pathogenic for Fukuyama congenital muscular dystrophy. Last evaluated: 2018-08-08. Review status: criteria provided, single submitter. Criteria: LMM Criteria. Collection method: clinical testing. Allele origin: germline. Inheritance: Autosomal recessive inheritance. Observed: 1 variant allele.
Comment: The p.His177SerfsX2 variant in FKTN has not been previously reported in individu als with muscular dystrophy, and was absent from large population studies. This variant is predicted to cause a frameshift, which alters the protein?s amino aci d sequence beginning at position 177 and leads to a premature termination codon 2 amino acids downstream. This alteration is then predicted to lead to a truncat ed or absent protein. In summary, although additional studies are required to fu lly establish its clinical significance, the p.His177SerfsX2 variant is likely p athogenic. ACMG/AMP Criteria applied: PVS1, PM2.

Natera, Inc.
Classification: Likely pathogenic for Walker-Warburg congenital muscular dystrophy. Last evaluated: 2020-03-03. Review status: no assertion criteria provided. Collection method: clinical testing. Allele origin: germline. Not counted in ClinVar's aggregate classification.

Literature cited by the submitters: PubMed 17044012 (cited by Labcorp Genetics (formerly Invitae), Labcorp); PubMed 17878207 (cited by Labcorp Genetics (formerly Invitae), Labcorp); PubMed 18752264 (cited by Labcorp Genetics (formerly Invitae), Labcorp).